The following is an entry in ClinVar:

NM_001267550.2(TTN):c.530del (p.Asn177fs)

Gene: TTN (titin; minus strand). Cytogenetic location: 2q31.2.
Variant type: Deletion.
Coding change: c.530del on transcript NM_001267550.2 (MANE Select); coding-DNA position 530, one base deleted (A; older notation c.530delA).
Protein change: p.Asn177fs; shifts the reading frame from asparagine 177.
Molecular consequence: frameshift variant.
Genome position (GRCh38, 1-based): chr2:178,800,448, T deleted on the plus strand (A on the coding strand, the reverse complement: TTN is on the minus strand); the first of 3 consecutive T bases (chr2:178,800,448-178,800,450); deleting any one gives the same sequence. VCF-style (leftmost placement, unchanged base first): chr2-178800447-AT-A. GRCh37 (hg19) VCF-style: chr2-179665174-AT-A.
Other names: c.530del, p.Asn177fs (NM_001256850.1, NM_003319.4, NM_133378.4 and 3 more transcripts); c.530delA (NM_003319.4); short protein forms N177fs.
Identifiers: ClinVar variation 3812278 (VCV003812278.1).
Genomic context (GRCh38, chr2:178,800,447, plus strand): 5'-GCACGTACCTTGAACCAGTAATTCAGCAGTCGAAGTAGCTCTTCCAACGCTATTGGTGGC[AT>A]TTACTGAATAGGTCCCTGAGTCCTCAGGGTATGCTTCTGCAATCAGTAAGCTGTAGAGGT-3'

ClinVar aggregate classification (germline): Likely pathogenic (1 of 4 stars; one submission).

Conditions:
Cardiovascular phenotype. Identifiers: MedGen CN230736.

Submission:

Ambry Genetics
Classification: Likely pathogenic for Cardiovascular phenotype. Last evaluated: 2025-02-21. Review status: criteria provided, single submitter. Criteria: Ambry Variant Classification Scheme 2023. Collection method: clinical testing. Allele origin: germline.
Comment: The c.530delA variant, located in coding exon 3 of the TTN gene, results from a deletion of one nucleotide at nucleotide position 530, causing a translational frameshift with a predicted alternate stop codon (p.N177Mfs*65). This exon is located in the Z-disk region of the N2-B isoform of the titin protein and is constitutively expressed in TTN transcripts (percent spliced in or PSI 100%). This variant is considered to be rare based on population cohorts in the Genome Aggregation Database (gnomAD). This variant is expected to result in loss of function by premature protein truncation or nonsense-mediated mRNA decay. While truncating variants in TTN are present in 1-3% of the general population, truncating variants in the A-band are the most common cause of dilated cardiomyopathy (Herman DS et al. N. Engl. J. Med., 2012 Feb;366:619-28; Roberts AM et al. Sci Transl Med, 2015 Jan;7:270ra6). TTN truncating variants encoded in constitutive exons (PSI >90%) have been found to be significantly associated with DCM regardless of their position in titin (Schafer S et al. Nat. Genet., 2017 01;49:46-53; Akhtar MM et al. Circ Heart Fail, 2020 Oct;13:e006832; Massier M et al. Clin Genet, 2025 Jan). Based on the majority of available evidence to date, this variant is likely to be pathogenic.